The following is an entry in ClinVar:

ClinVar aggregate classification (germline): Uncertain significance (1 of 4 stars; one submission).

Conditions:
CHARGE syndrome (CHARGE). Also called: Coloboma, heart anomaly, choanal atresia, retardation, genital and ear anomalies; CHARGE association; Hall-Hittner syndrome; Hittner Hirsch Kreh syndrome; CHARGE ASSOCIATION--COLOBOMA, HEART ANOMALY, CHOANAL ATRESIA, RETARDATION, GENITAL AND EAR ANOMALIES. Identifiers: Orphanet 138, MedGen C0265354, MONDO:0008965.

gnomAD v4.1: 2 of 1,611,446 alleles (0.00012%); highest among the groups gnomAD compares: Non-Finnish European, 0.00017%; no homozygotes.

Submission:

Labcorp Genetics (formerly Invitae), Labcorp
Classification: Uncertain significance for CHARGE syndrome. Last evaluated: 2023-07-17. Review status: criteria provided, single submitter. Criteria: Invitae Variant Classification Sherloc (09022015). Collection method: clinical testing. Allele origin: germline.
Comment: This variant has not been reported in the literature in individuals affected with CHD7-related conditions. This variant is not present in population databases (gnomAD no frequency). This sequence change replaces proline, which is neutral and non-polar, with threonine, which is neutral and polar, at codon 2294 of the CHD7 protein (p.Pro2294Thr). ClinVar contains an entry for this variant (Variation ID: 1449373). In summary, the available evidence is currently insufficient to determine the role of this variant in disease. Therefore, it has been classified as a Variant of Uncertain Significance. Advanced modeling of protein sequence and biophysical properties (such as structural, functional, and spatial information, amino acid conservation, physicochemical variation, residue mobility, and thermodynamic stability) performed at Invitae indicates that this missense variant is not expected to disrupt CHD7 protein function.

NM_017780.4(CHD7):c.6880C>A (p.Pro2294Thr)

Gene: CHD7 (chromodomain helicase DNA binding protein 7; plus strand). Cytogenetic location: 8q12.2.
Variant type: single nucleotide variant.
Coding change: c.6880C>A on transcript NM_017780.4 (MANE Select); coding-DNA position 6880, C replaced by A.
Protein change: p.Pro2294Thr; replaces proline 2294 with threonine.
Molecular consequence: missense variant. On other transcripts: intron variant (1).
Genome position (GRCh38, 1-based): chr8:60,854,467, C>A. VCF-style: chr8-60854467-C-A. GRCh37 (hg19) VCF-style: chr8-61767026-C-A.
Other names: c.1717-7762C>A (NM_001316690.1); short protein forms P2294T.
Identifiers: ClinVar variation 1449373 (VCV001449373.7), dbSNP rs767696409, ClinGen allele CA371295059.